The following is an entry in ClinVar:

NM_130810.4(DNAAF4):c.1048-9T>C

Genes: DNAAF4 (dynein axonemal assembly factor 4; minus strand), DNAAF4-CCPG1 (DNAAF4-CCPG1 readthrough (NMD candidate); minus strand). Cytogenetic location: 15q21.3.
Variant type: single nucleotide variant.
Coding change: c.1048-9T>C on transcript NM_130810.4 (MANE Select); 9 bases into the intron before coding-DNA position 1048, T replaced by C.
Molecular consequence: intron variant.
Genome position (GRCh38, 1-based): chr15:55,432,611, A>G on the plus strand (T>C on the coding strand, the complement: DNAAF4 is on the minus strand). VCF-style: chr15-55432611-A-G. GRCh37 (hg19) VCF-style: chr15-55724809-A-G.
Other names: c.1047+2294T>C (NM_001033560.2); c.1048-1832T>C (NM_001033559.3).
Identifiers: ClinVar variation 838109 (VCV000838109.1), dbSNP rs2057513826, ClinGen allele CA916083426.
Genomic context (GRCh38, chr15:55,432,611, plus strand): 5'-TCATTCTTGCATTAGCATTGTCTGTAACAGGTGGCATCAATAATTCCAGTGCCTTACAAA[A>G]TATATATAATTATTACAAGAAAGTTATAGTTTCTTAATTTAAACAAGCAAAAGGCTGGGC-3'

ClinVar aggregate classification (germline): Uncertain significance (1 of 4 stars; one submission).

Allele frequency attached by ClinVar (database versions not stated): gnomAD exomes below 0.00001.
gnomAD v4.1: 1 of 1,594,096 alleles (0.000063%); highest among the groups gnomAD compares: Middle Eastern, 0.017%; no homozygotes.

Submission:

Labcorp Genetics (formerly Invitae), Labcorp
Classification: Uncertain significance. Last evaluated: 2019-05-02. Review status: criteria provided, single submitter. Criteria: Invitae Variant Classification Sherloc (09022015). Collection method: clinical testing. Allele origin: germline.
Comment: This sequence change falls in intron 8 of the DNAAF4 gene. It does not directly change the encoded amino acid sequence of the DNAAF4 protein. This variant is not present in population databases (ExAC no frequency). This variant has not been reported in the literature in individuals with DNAAF4-related conditions. Algorithms developed to predict the effect of sequence changes on RNA splicing suggest that this variant may disrupt the consensus splice site, but this prediction has not been confirmed by published transcriptional studies. In summary, the available evidence is currently insufficient to determine the role of this variant in disease. Therefore, it has been classified as a Variant of Uncertain Significance.